The following is an entry in ClinVar:

ClinVar aggregate classification (germline): Uncertain significance (1 of 4 stars; one submission).

Submission:

Dasa
Classification: Uncertain significance. Last evaluated: 2025-12-08. Review status: criteria provided, single submitter. Criteria: DASA Assertion Criteria. Collection method: clinical testing. Allele origin: germline.
Comment: NM_001162501.2(TNRC6B):c.2506G>A (p.Ala836Thr) is a missense variant that results in the substitution of alanine with threonine. This variant is rare in population databases. Computational prediction algorithms are consistent with a benign effect. The currently available literature and clinical evidence are not sufficient to establish a definitive association between this variant and the reported condition. Therefore, this variant is classified as a variant of uncertain significance.

NM_001162501.2(TNRC6B):c.2506G>A (p.Ala836Thr)

Gene: TNRC6B (trinucleotide repeat containing adaptor 6B; plus strand). Cytogenetic location: 22q13.1.
Variant type: single nucleotide variant.
Coding change: c.2506G>A on transcript NM_001162501.2 (MANE Select); coding-DNA position 2506, G replaced by A.
Protein change: p.Ala836Thr; replaces alanine 836 with threonine.
Molecular consequence: missense variant. On other transcripts: intron variant (1).
Genome position (GRCh38, 1-based): chr22:40,266,736, G>A. VCF-style: chr22-40266736-G-A. GRCh37 (hg19) VCF-style: chr22-40662740-G-A.
Other names: c.2506G>A, p.Ala836Thr (NM_015088.3); c.566-3386G>A (NM_001024843.2); short protein forms A836T.
Identifiers: ClinVar variation 4883843 (VCV004883843.2).